The following is an entry in ClinVar:

ClinVar aggregate classification (germline): Uncertain significance (1 of 4 stars; one submission).

Allele frequency attached by ClinVar (database versions not stated): gnomAD exomes below 0.00001.
gnomAD v4.1: 6 of 1,613,708 alleles (0.00037%); highest among the groups gnomAD compares: African/African-American, 0.0013%; no homozygotes.

Submission:

Labcorp Genetics (formerly Invitae), Labcorp
Classification: Uncertain significance. Last evaluated: 2022-06-08. Review status: criteria provided, single submitter. Criteria: Invitae Variant Classification Sherloc (09022015). Collection method: clinical testing. Allele origin: germline.
Comment: In summary, the available evidence is currently insufficient to determine the role of this variant in disease. Therefore, it has been classified as a Variant of Uncertain Significance. Algorithms developed to predict the effect of missense changes on protein structure and function are either unavailable or do not agree on the potential impact of this missense change (SIFT: "Tolerated"; PolyPhen-2: "Possibly Damaging"; Align-GVGD: "Class C0"). This variant has not been reported in the literature in individuals affected with AHDC1-related conditions. This variant is present in population databases (no rsID available, gnomAD 0.007%). This sequence change replaces threonine, which is neutral and polar, with serine, which is neutral and polar, at codon 735 of the AHDC1 protein (p.Thr735Ser).

NM_001371928.1(AHDC1):c.2204C>G (p.Thr735Ser)

Gene: AHDC1 (AT-hook DNA binding motif containing 1; minus strand). Cytogenetic location: 1p36.11.
Variant type: single nucleotide variant.
Coding change: c.2204C>G on transcript NM_001371928.1 (MANE Select); coding-DNA position 2204, C replaced by G.
Protein change: p.Thr735Ser; replaces threonine 735 with serine.
Molecular consequence: missense variant.
Genome position (GRCh38, 1-based): chr1:27,549,912, G>C on the plus strand (C>G on the coding strand, the complement: AHDC1 is on the minus strand). VCF-style: chr1-27549912-G-C. GRCh37 (hg19) VCF-style: chr1-27876423-G-C.
Other names: c.2204C>G, p.Thr735Ser (NM_001029882.3); short protein forms T735S.
Identifiers: ClinVar variation 1951848 (VCV001951848.5), dbSNP rs1431094571, ClinGen allele CA339232484.